The following is an entry in ClinVar:

ClinVar aggregate classification (germline): Uncertain significance (1 of 4 stars; one submission).

Allele frequency attached by ClinVar (database versions not stated): gnomAD exomes below 0.00001.

Submission:

GeneDx
Classification: Uncertain significance. Last evaluated: 2019-11-05. Review status: criteria provided, single submitter. Criteria: GeneDx Variant Classification Process June 2021. Collection method: clinical testing. Allele origin: germline. Affected: yes.
Comment: Has not been previously published as pathogenic or benign to our knowledge; Not observed in large population cohorts (Lek et al., 2016); In silico analysis, which includes protein predictors and evolutionary conservation, supports that this variant does not alter protein structure/function

NM_014391.3(ANKRD1):c.183A>T (p.Lys61Asn)

Gene: ANKRD1 (ankyrin repeat domain 1; minus strand). Cytogenetic location: 10q23.31.
Variant type: single nucleotide variant.
Coding change: c.183A>T on transcript NM_014391.3 (MANE Select); coding-DNA position 183, A replaced by T.
Protein change: p.Lys61Asn; replaces lysine 61 with asparagine.
Molecular consequence: missense variant.
Genome position (GRCh38, 1-based): chr10:90,920,193, T>A on the plus strand (A>T on the coding strand, the complement: ANKRD1 is on the minus strand). VCF-style: chr10-90920193-T-A. GRCh37 (hg19) VCF-style: chr10-92679950-T-A.
Other names: short protein forms K61N.
Identifiers: ClinVar variation 1310036 (VCV001310036.2), dbSNP rs2120273603, ClinGen allele CA377553372.
Genomic context (GRCh38, chr10:90,920,193, plus strand): 5'-AACATCCTACTAGTGGATTCCACAGATGGCTCTCACCTCTGCCTCTCGTTGTTTCTCGCT[T>A]TTCCACTGTTGCTCCCCCAGGGTCACAGGGTGGGCTAGAAGTGTCTTCAGATCCTCCTGC-3'
Protein context (NP_055206.2, residues 51-71): HPVTLGEQQW[Lys61Asn]SEKQREAELK